The following is an entry in ClinVar:

NM_000021.4(PSEN1):c.*3360A>G

Gene: PSEN1 (presenilin 1; plus strand). Cytogenetic location: 14q24.2.
Variant type: single nucleotide variant.
Coding change: c.*3360A>G on transcript NM_000021.4 (MANE Select); 3360 bases downstream of the stop codon, A replaced by G.
Molecular consequence: 3 prime UTR variant.
Genome position (GRCh38, 1-based): chr14:73,222,649, A>G. VCF-style: chr14-73222649-A-G. GRCh37 (hg19) VCF-style: chr14-73689357-A-G.
Other names: c.*3360A>G (NM_007318.3).
Identifiers: ClinVar variation 313994 (VCV000313994.5), dbSNP rs362390, ClinGen allele CA10645876.

ClinVar aggregate classification (germline): Benign/Likely benign. Review status: criteria provided, single submitter (1 of 4 stars). 2 submissions from 1 submitter: Benign (1); Likely benign (1). Last evaluated 2018-01-13.

Conditions:
Dilated cardiomyopathy 1U. Identifiers: Orphanet 154, MedGen C3160720, MONDO:0013371, OMIM 613694.
Alzheimer disease 3 (AD3). Also called: ALZHEIMER DISEASE, FAMILIAL, 3. Identifiers: Orphanet 1020, MedGen C1843013, MONDO:0011913, OMIM 607822.

Allele frequency attached by ClinVar (database versions not stated): gnomAD 0.01509 and 0.01605; TOPMed 0.01708; 1000 Genomes Project 0.02256; 1000 Genomes Project 30x 0.02374.

Submissions (2):

Illumina Laboratory Services, Illumina
Classification: Benign for Alzheimer disease 3. Last evaluated: 2018-01-13. Review status: criteria provided, single submitter. Criteria: ICSL Variant Classification Criteria 13 December 2019. Collection method: clinical testing. Allele origin: germline.
Comment: This variant was observed in the ICSL laboratory as part of a predisposition screen in an ostensibly healthy population. It had not been previously curated by ICSL or reported in the Human Gene Mutation Database (HGMD: prior to June 1st, 2018), and was therefore a candidate for classification through an automated scoring system. Utilizing variant allele frequency, disease prevalence and penetrance estimates, and inheritance mode, an automated score was calculated to assess if this variant is too frequent to cause the disease. Based on the score and internal cut-off values, a variant classified as benign is not then subjected to further curation. The score for this variant resulted in a classification of benign for this disease.

Illumina Laboratory Services, Illumina
Classification: Likely benign for Dilated cardiomyopathy 1U. Last evaluated: 2018-01-13. Review status: criteria provided, single submitter. Criteria: ICSL Variant Classification Criteria 13 December 2019. Collection method: clinical testing. Allele origin: germline.
Comment: This variant was observed in the ICSL laboratory as part of a predisposition screen in an ostensibly healthy population. It had not been previously curated by ICSL or reported in the Human Gene Mutation Database (HGMD: prior to June 1st, 2018), and was therefore a candidate for classification through an automated scoring system. Utilizing variant allele frequency, disease prevalence and penetrance estimates, and inheritance mode, an automated score was calculated to assess if this variant is too frequent to cause the disease. Based on the score and internal cut-off values, a variant classified as likely benign is not then subjected to further curation. The score for this variant resulted in a classification of likely benign for this disease.